The following is an entry in ClinVar:

NM_001205254.2(OCLN):c.175A>C (p.Thr59Pro)

Gene: OCLN (occludin; plus strand). Cytogenetic location: 5q13.2.
Variant type: single nucleotide variant.
Coding change: c.175A>C on transcript NM_001205254.2 (MANE Select); coding-DNA position 175, A replaced by C.
Protein change: p.Thr59Pro; replaces threonine 59 with proline.
Molecular consequence: missense variant. On other transcripts: intron variant (1).
Genome position (GRCh38, 1-based): chr5:69,509,265, A>C. VCF-style: chr5-69509265-A-C. GRCh37 (hg19) VCF-style: chr5-68805092-A-C.
Other names: c.175A>C, p.Thr59Pro (NM_001410743.1, NM_001438048.1, NM_001438604.1 and 1 more transcripts); c.-24-4683A>C (NM_001205255.2); short protein forms T59P.
Identifiers: ClinVar variation 2585631 (VCV002585631.2), dbSNP rs552617487, ClinGen allele CA3294387.

ClinVar aggregate classification (germline): Uncertain significance. Review status: criteria provided, multiple submitters, no conflicts (2 of 4 stars). 2 submissions from 2 submitters: Uncertain significance (2). Last evaluated 2024-08-22.

Conditions:
Pseudo-TORCH syndrome 1 (PTORCH1). Also called: Band-like calcification with simplified gyration and polymicrogyria. Identifiers: Orphanet 1229, MedGen C4552078, MONDO:0020789, OMIM 251290.

Allele frequency attached by ClinVar (database versions not stated): gnomAD 0.00006; gnomAD exomes 0.00007; ExAC 0.00012; 1000 Genomes Project 30x 0.00031; 1000 Genomes Project 0.00040.
gnomAD v4.1: 105 of 1,614,104 alleles (0.0065%); highest among the groups gnomAD compares: South Asian, 0.1%; no homozygotes.

Submissions (2):

Blueprint Genetics
Classification: Uncertain significance. Last evaluated: 2024-08-22. Review status: criteria provided, single submitter. Criteria: ACMG Guidelines, 2015. Collection method: clinical testing. Allele origin: germline.

Neuberg Centre For Genomic Medicine, NCGM
Classification: Uncertain significance for Pseudo-TORCH syndrome 1. Review status: criteria provided, single submitter. Criteria: ACMG Guidelines, 2015. Collection method: clinical testing. Allele origin: germline. Inheritance: Autosomal recessive inheritance. Affected: yes.
Comment: The missense variant in c.175A>C in OCLN gene has not been reported previously as a pathogenic variant nor as a benign variant, to our knowledge. The p.Thr59Pro variant is reported with allele frequency of 0.01131% in gnomAD database. This variant has not been reported to the ClinVar database. The amino acid change p.Thr59Pro in OCLN is predicted as conserved by GERP++ and PhyloP across 100 vertebrates. The amino acid Thr at position 59 is changed to a Pro changing protein sequence and it might alter its composition and physico-chemical properties. For these reasons, this variant has been classified as Uncertain Significance (VUS).